The following is an entry in ClinVar:

ClinVar aggregate classification (germline): Benign/Likely benign. Review status: criteria provided, multiple submitters, no conflicts (2 of 4 stars). 3 submissions from 3 submitters: Benign (1); Likely benign (2). Last evaluated 2025-01-15.

Conditions:
Hereditary cancer-predisposing syndrome. Also called: Tumor predisposition; Neoplastic Syndromes, Hereditary; Hereditary Cancer Syndrome; Hereditary neoplastic syndrome. Identifiers: Orphanet 140162, MedGen C0027672, MeSH D009386, MONDO:0015356.
Familial adenomatous polyposis 1 (FAP1). Also called: FAMILIAL ADENOMATOUS POLYPOSIS 1, ATTENUATED; POLYPOSIS, ADENOMATOUS INTESTINAL. Identifiers: MedGen C2713442, MONDO:0021056, OMIM 175100. Disease mechanism: loss of function.

Allele frequency attached by ClinVar (database versions not stated): gnomAD exomes below 0.00001; TOPMed 0.00001.
gnomAD v4.1: 3 of 1,614,196 alleles (0.00019%); highest among the groups gnomAD compares: Non-Finnish European, 0.00025%; no homozygotes.

Submissions (3):

Labcorp Genetics (formerly Invitae), Labcorp
Classification: Likely benign for Familial adenomatous polyposis 1. Last evaluated: 2025-01-15. Review status: criteria provided, single submitter. Criteria: Invitae Variant Classification Sherloc (09022015). Collection method: clinical testing. Allele origin: germline.

Ambry Genetics
Classification: Likely benign for Hereditary cancer-predisposing syndrome. Last evaluated: 2024-05-09. Review status: criteria provided, single submitter. Criteria: Ambry Variant Classification Scheme 2023. Collection method: clinical testing. Allele origin: germline.

Myriad Genetics, Inc.
Classification: Benign for Familial adenomatous polyposis 1. Last evaluated: 2024-03-28. Review status: criteria provided, single submitter. Criteria: Myriad Autosomal Dominant, Autosomal Recessive and X-Linked Classification Criteria (2023). Collection method: clinical testing. Allele origin: unknown.
Comment: This variant is considered benign. This variant is a silent/synonymous amino acid change and it is not expected to impact splicing.

NM_000038.6(APC):c.4866C>T (p.Asn1622=)

Gene: APC (APC regulator of Wnt signaling pathway; plus strand). Cytogenetic location: 5q22.2.
Variant type: single nucleotide variant.
Coding change: c.4866C>T on transcript NM_000038.6 (MANE Select); coding-DNA position 4866, C replaced by T.
Protein change: p.Asn1622=; no amino-acid change (asparagine 1622 retained).
Molecular consequence: synonymous variant.
Genome position (GRCh38, 1-based): chr5:112,840,460, C>T. VCF-style: chr5-112840460-C-T. GRCh37 (hg19) VCF-style: chr5-112176157-C-T.
Other names: c.4866C>T (NM_000038.5); c.4866C>T, p.Asn1622= (NM_001127510.3, NM_001354895.2); c.4812C>T, p.Asn1604= (NM_001127511.3); c.4920C>T, p.Asn1640= (NM_001354896.2); c.4896C>T, p.Asn1632= (NM_001354897.2); c.4791C>T, p.Asn1597= (NM_001354898.2); c.4782C>T, p.Asn1594= (NM_001354899.2); c.4743C>T, p.Asn1581= (NM_001354900.2); and 6 more.
Identifiers: ClinVar variation 1648527 (VCV001648527.10), dbSNP rs1765789672, ClinGen allele CA446208097.